The following is an entry in ClinVar:

NM_003816.3(ADAM9):c.562A>G (p.Lys188Glu)

Gene: ADAM9 (ADAM metallopeptidase domain 9; plus strand). Cytogenetic location: 8p11.22.
Variant type: single nucleotide variant.
Coding change: c.562A>G on transcript NM_003816.3 (MANE Select); coding-DNA position 562, A replaced by G.
Protein change: p.Lys188Glu; replaces lysine 188 with glutamic acid.
Molecular consequence: missense variant. On other transcripts: non-coding transcript variant (3).
Genome position (GRCh38, 1-based): chr8:39,017,370, A>G. VCF-style: chr8-39017370-A-G. GRCh37 (hg19) VCF-style: chr8-38874889-A-G.
Other names: short protein forms K188E.
Identifiers: ClinVar variation 1055464 (VCV001055464.5), dbSNP rs2129433189, ClinGen allele CA370753546.

ClinVar aggregate classification (germline): Uncertain significance (1 of 4 stars; one submission).

Submission:

Labcorp Genetics (formerly Invitae), Labcorp
Classification: Uncertain significance. Last evaluated: 2020-08-01. Review status: criteria provided, single submitter. Criteria: Invitae Variant Classification Sherloc (09022015). Collection method: clinical testing. Allele origin: germline.
Comment: Algorithms developed to predict the effect of missense changes on protein structure and function output the following: SIFT: "Tolerated"; PolyPhen-2: "Benign"; Align-GVGD: "Class C0". The glutamic acid amino acid residue is found in multiple mammalian species, suggesting that this missense change does not adversely affect protein function. These predictions have not been confirmed by published functional studies and their clinical significance is uncertain. In summary, the available evidence is currently insufficient to determine the role of this variant in disease. Therefore, it has been classified as a Variant of Uncertain Significance. This variant has not been reported in the literature in individuals with ADAM9-related conditions. This sequence change replaces lysine with glutamic acid at codon 188 of the ADAM9 protein (p.Lys188Glu). The lysine residue is weakly conserved and there is a small physicochemical difference between lysine and glutamic acid. This variant is not present in population databases (ExAC no frequency).